The following is an entry in ClinVar:

NM_005502.4(ABCA1):c.568C>A (p.His190Asn)

Gene: ABCA1 (ATP binding cassette subfamily A member 1; minus strand). Cytogenetic location: 9q31.1.
Variant type: single nucleotide variant.
Coding change: c.568C>A on transcript NM_005502.4 (MANE Select); coding-DNA position 568, C replaced by A.
Protein change: p.His190Asn; replaces histidine 190 with asparagine.
Molecular consequence: missense variant.
Genome position (GRCh38, 1-based): chr9:104,858,674, G>T on the plus strand (C>A on the coding strand, the complement: ABCA1 is on the minus strand). VCF-style: chr9-104858674-G-T. GRCh37 (hg19) VCF-style: chr9-107620955-G-T.
Other names: short protein forms H190N.
Identifiers: ClinVar variation 5033345 (VCV005033345.1).
Genomic context (GRCh38, chr9:104,858,674, plus strand): 5'-CTTGGTCACCAAGTTGAATCATCTCTTCTGATTTTGATCCATTGCACAGACTTGTCAAAT[G>T]TAACTGGTAGCCTTGCAAAAATACCTGGAAGCATTTCATGCAAAGAGAGACAAGCACAAG-3'
Protein context (NP_005493.2, residues 180-200): HKVFLQGYQL[His190Asn]LTSLCNGSKS

ClinVar aggregate classification (germline): Uncertain significance (1 of 4 stars; one submission).

Conditions:
Cardiovascular phenotype. Identifiers: MedGen CN230736.

gnomAD v4.1: 4 of 1,614,050 alleles (0.00025%); highest among the groups gnomAD compares: African/African-American, 0.0053%; no homozygotes.

Submission:

Ambry Genetics
Classification: Uncertain significance for Cardiovascular phenotype. Last evaluated: 2026-06-25. Review status: criteria provided, single submitter. Criteria: Ambry Variant Classification Scheme 2023. Collection method: clinical testing. Allele origin: germline.
Comment: The p.H190N variant (also known as c.568C>A), located in coding exon 6 of the ABCA1 gene, results from a C to A substitution at nucleotide position 568. The histidine at codon 190 is replaced by asparagine, an amino acid with similar properties. This amino acid position is conserved. In addition, the in silico prediction for this alteration is inconclusive. Based on the available evidence, the clinical significance of this variant remains unclear.